The following is an entry in ClinVar:

ClinVar aggregate classification (germline): Uncertain significance (1 of 4 stars; one submission).

gnomAD v4.1: 68 of 1,612,944 alleles (0.0042%); highest among the groups gnomAD compares: Non-Finnish European, 0.005%; no homozygotes.

Submission:

Labcorp Genetics (formerly Invitae), Labcorp
Classification: Uncertain significance. Last evaluated: 2025-09-09. Review status: criteria provided, single submitter. Criteria: Invitae Variant Classification Sherloc (09022015). Collection method: clinical testing. Allele origin: germline.
Comment: This sequence change replaces arginine, which is basic and polar, with tryptophan, which is neutral and slightly polar, at codon 66 of the TYROBP protein (p.Arg66Trp). This variant is present in population databases (rs546257418, gnomAD 0.007%). This variant has not been reported in the literature in individuals affected with TYROBP-related conditions. An algorithm developed to predict the effect of missense changes on protein structure and function (PolyPhen-2) suggests that this variant is likely to be disruptive. In summary, the available evidence is currently insufficient to determine the role of this variant in disease. Therefore, it has been classified as a Variant of Uncertain Significance.

NM_003332.4(TYROBP):c.196C>T (p.Arg66Trp)

Gene: TYROBP (transmembrane immune signaling adaptor TYROBP; minus strand). Cytogenetic location: 19q13.12.
Variant type: single nucleotide variant.
Coding change: c.196C>T on transcript NM_003332.4 (MANE Select); coding-DNA position 196, C replaced by T.
Protein change: p.Arg66Trp; replaces arginine 66 with tryptophan.
Molecular consequence: missense variant. On other transcripts: non-coding transcript variant (1).
Genome position (GRCh38, 1-based): chr19:35,907,479, G>A on the plus strand (C>T on the coding strand, the complement: TYROBP is on the minus strand). VCF-style: chr19-35907479-G-A. GRCh37 (hg19) VCF-style: chr19-36398381-G-A.
Other names: c.163C>T, p.Arg55Trp (NM_001173514.2, NM_001173515.2); c.196C>T, p.Arg66Trp (NM_198125.3); short protein forms R66W, R55W.
Identifiers: ClinVar variation 4706062 (VCV004706062.1).
Genomic context (GRCh38, chr19:35,907,479, plus strand): 5'-AGGATGTCCCCTGCTAGCCCCACTCACCCTCCGCAGCCCCTCGCCCCCGAGGGACCAGCC[G>A]GCCCAGGAAGTACACGGCCAGGGCAATGAGCACTGTCAGCACCAGGTCTCCCATCACGAT-3'
Protein context (NP_003323.1, residues 56-76): LIALAVYFLG[Arg66Trp]LVPRGRGAAE